The following is an entry in ClinVar:

NM_020461.4(TUBGCP6):c.3822G>A (p.Pro1274=)

Gene: TUBGCP6 (tubulin gamma complex component 6; minus strand). Cytogenetic location: 22q13.33.
Variant type: single nucleotide variant.
Coding change: c.3822G>A on transcript NM_020461.4 (MANE Select); coding-DNA position 3822, G replaced by A.
Protein change: p.Pro1274=; no amino-acid change (proline 1274 retained).
Molecular consequence: synonymous variant.
Genome position (GRCh38, 1-based): chr22:50,220,537, C>T on the plus strand (G>A on the coding strand, the complement: TUBGCP6 is on the minus strand). VCF-style: chr22-50220537-C-T. GRCh37 (hg19) VCF-style: chr22-50658966-C-T.
Identifiers: ClinVar variation 1166138 (VCV001166138.30), dbSNP rs377666583, ClinGen allele CA10307809.

ClinVar aggregate classification (germline): Benign/Likely benign. Review status: criteria provided, multiple submitters, no conflicts (2 of 4 stars). 4 submissions from 4 submitters: Benign (2); Likely benign (2). Last evaluated 2026-01-12.

Allele frequency attached by ClinVar (database versions not stated): gnomAD 0.00006 and 0.00033; TOPMed 0.00008; 1000 Genomes Project 30x 0.00062; gnomAD exomes 0.00065 and 0.00102; 1000 Genomes Project 0.00080; ExAC 0.00111.

Submissions (4):

Labcorp Genetics (formerly Invitae), Labcorp
Classification: Benign. Last evaluated: 2026-01-12. Review status: criteria provided, single submitter. Criteria: Invitae Variant Classification Sherloc (09022015). Collection method: clinical testing. Allele origin: germline.

CeGaT Center for Human Genetics Tuebingen
Classification: Likely benign. Last evaluated: 2025-10-01. Review status: criteria provided, single submitter. Criteria: CeGaT Center For Human Genetics Tuebingen Variant Classification Criteria Version 2. Collection method: clinical testing. Allele origin: germline. Affected: yes. Observed: 3 variant alleles.
Comment: TUBGCP6: BP4, BP7

Blueprint Genetics
Classification: Likely benign. Last evaluated: 2024-09-11. Review status: criteria provided, single submitter. Criteria: ACMG Guidelines, 2015. Collection method: clinical testing. Allele origin: germline.

Genetic Services Laboratory, University of Chicago
Classification: Benign. Last evaluated: 2018-07-14. Review status: criteria provided, single submitter. Criteria: ACMG Guidelines, 2015. Collection method: clinical testing. Allele origin: germline. Affected: no.